The following is an entry in ClinVar:

ClinVar aggregate classification (germline): Pathogenic (1 of 4 stars; one submission).

Conditions:
Cornelia de Lange syndrome 1 (CDLS1). Also called: TYPUS DEGENERATIVUS AMSTELODAMENSIS; Brachmann de Lange syndrome; NIPBL-Related Cornelia de Lange Syndrome. Identifiers: Orphanet 199, MedGen C4551851, MONDO:0007387, OMIM 122470.

Submission:

Victorian Clinical Genetics Services, Murdoch Childrens Research Institute
Classification: Pathogenic for Cornelia de Lange syndrome 1. Last evaluated: 2023-07-17. Review status: criteria provided, single submitter. Criteria: ACMG Guidelines, 2015. Collection method: clinical testing. Allele origin: germline. Inheritance: Autosomal dominant inheritance. Affected: yes.
Comment: Based on the classification scheme VCGS_Germline_v1.3.4, this variant is classified as Pathogenic. Following criteria are met: 0102 - Loss of function is a known mechanism of disease in this gene and is associated with Cornelia de Lange syndrome 1 (MIM#122470). (I) 0107 - This gene is associated with autosomal dominant disease. (I) 0201 - Variant is predicted to cause nonsense-mediated decay (NMD) and loss of protein (premature termination codon is located at least 54 nucleotides upstream of the final exon-exon junction). (SP) 0251 - This variant is heterozygous. (I) 0301 - Variant is absent from gnomAD (both v2 and v3). (SP) 0701 - Other variants predicted to cause NMD comparable to the one identified in this case have very strong previous evidence for pathogenicity (DECIPHER). (SP) 0807 - This variant has no previous evidence of pathogenicity. (I) 0905 - No published segregation evidence has been identified for this variant. (I) 1007 - No published functional evidence has been identified for this variant. (SP) Legend: (SP) - Supporting pathogenic, (I) - Information, (SB) - Supporting benign

NM_133433.4(NIPBL):c.188C>A (p.Ser63Ter)

Gene: NIPBL (NIPBL cohesin loading factor; plus strand). Cytogenetic location: 5p13.2.
Variant type: single nucleotide variant.
Coding change: c.188C>A on transcript NM_133433.4 (MANE Select); coding-DNA position 188, C replaced by A.
Protein change: p.Ser63Ter; replaces serine 63 with a stop codon.
Molecular consequence: nonsense.
Genome position (GRCh38, 1-based): chr5:36,955,595, C>A. VCF-style: chr5-36955595-C-A. GRCh37 (hg19) VCF-style: chr5-36955697-C-A.
Other names: c.188C>A, p.Ser63Ter (NM_015384.5); short protein forms S63*.
Identifiers: ClinVar variation 869475 (VCV000869475.4), dbSNP rs1740845459, ClinGen allele CA359474373.
Genomic context (GRCh38, chr5:36,955,595, plus strand): 5'-ATGCACGAATAGCAGAAGAGGTGAACTGCCTTTTGGCTTGTAGGGATGACAATTTGGTTT[C>A]ACAGCTTGTCCATAGCCTCAACCAGGTATCAACAGATCACATGTAAGTATGATCAATTTT-3'